The following is an entry in ClinVar:

NM_001079.4(ZAP70):c.-186C>A

Gene: ZAP70 (zeta chain of T cell receptor associated protein kinase 70; plus strand). Cytogenetic location: 2q11.2.
Variant type: single nucleotide variant.
Coding change: c.-186C>A on transcript NM_001079.4 (MANE Select); 186 bases upstream of the start codon, C replaced by A.
Molecular consequence: 5 prime UTR variant.
Genome position (GRCh38, 1-based): chr2:97,713,589, C>A. VCF-style: chr2-97713589-C-A. GRCh37 (hg19) VCF-style: chr2-98330052-C-A.
Identifiers: ClinVar variation 337620 (VCV000337620.9), dbSNP rs2276645, ClinGen allele CA10616595.

ClinVar aggregate classification (germline): Benign. Review status: criteria provided, multiple submitters, no conflicts (2 of 4 stars). 4 submissions from 4 submitters: Benign (4). Last evaluated 2024-01-24.

Conditions:
Combined immunodeficiency due to ZAP70 deficiency (IMD48). Also called: ZAP70 Deficiency; Immunodeficiency 48. Identifiers: Orphanet 911, MedGen C2931299, MONDO:0010023, OMIM 269840.

Allele frequency attached by ClinVar (database versions not stated): 1000 Genomes Project 0.19349; TOPMed 0.27302; 1000 Genomes Project 30x 0.18879; gnomAD exomes 0.50000.
gnomAD v4.1: 47,087 of 152,222 alleles (31%); highest among the groups gnomAD compares: Non-Finnish European, 44%; 9,780 homozygotes.

Submissions (4):

Unidad de Genómica Garrahan, Hospital de Pediatría Garrahan
Classification: Benign. Last evaluated: 2024-01-24. Review status: criteria provided, single submitter. Criteria: ACMG Guidelines, 2015. Collection method: clinical testing. Allele origin: germline. Affected: no. Observed: 47 variant alleles.
Comment: This variant is classified as Benign based on local population frequency. This variant was detected in 49% of patients studied by a panel of primary immunodeficiencies. Number of patients: 47. Only high quality variants are reported.

GeneDx
Classification: Benign. Last evaluated: 2021-06-30. Review status: criteria provided, single submitter. Criteria: GeneDx Variant Classification Process June 2021. Collection method: clinical testing. Allele origin: germline. Affected: yes.

Illumina Laboratory Services, Illumina
Classification: Benign for Combined immunodeficiency due to ZAP70 deficiency. Last evaluated: 2018-01-12. Review status: criteria provided, single submitter. Criteria: ICSL Variant Classification Criteria 13 December 2019. Collection method: clinical testing. Allele origin: germline.
Comment: This variant was observed in the ICSL laboratory as part of a predisposition screen in an ostensibly healthy population. It had not been previously curated by ICSL or reported in the Human Gene Mutation Database (HGMD: prior to June 1st, 2018), and was therefore a candidate for classification through an automated scoring system. Utilizing variant allele frequency, disease prevalence and penetrance estimates, and inheritance mode, an automated score was calculated to assess if this variant is too frequent to cause the disease. Based on the score and internal cut-off values, a variant classified as benign is not then subjected to further curation. The score for this variant resulted in a classification of benign for this disease.

Breakthrough Genomics
Classification: Benign. Review status: criteria provided, single submitter. Criteria: ACMG Guidelines, 2015. Collection method: not provided. Allele origin: germline. Inheritance: Autosomal recessive inheritance. Affected: yes.